The following is an entry in ClinVar:

ClinVar aggregate classification (germline): Likely benign (1 of 4 stars; one submission).

Conditions:
EMX2-related disorder. Also called: EMX2-related condition.

gnomAD v4.1: 221 of 1,548,272 alleles (0.014%); highest among the groups gnomAD compares: South Asian, 0.24%; no homozygotes.

Submission:

PreventionGenetics, part of Exact Sciences
Classification: Likely benign for EMX2-related condition. Last evaluated: 2025-05-21. Review status: criteria provided, single submitter. Criteria: ACMG Guidelines, 2015. Collection method: clinical testing. Allele origin: germline.
Comment: This variant is classified as likely benign based on ACMG/AMP sequence variant interpretation guidelines (Richards et al. 2015 PMID: 25741868, with internal and published modifications).

NM_004098.4(EMX2):c.14C>T (p.Ala5Val)

Genes: EMX2 (empty spiracles homeobox 2; plus strand), EMX2OS (EMX2 opposite strand/antisense RNA; minus strand). Cytogenetic location: 10q26.11.
Variant type: single nucleotide variant.
Coding change: c.14C>T on transcript NM_004098.4 (MANE Select); coding-DNA position 14, C replaced by T.
Protein change: p.Ala5Val; replaces alanine 5 with valine.
Molecular consequence: missense variant.
Genome position (GRCh38, 1-based): chr10:117,543,281, C>T. VCF-style: chr10-117543281-C-T. GRCh37 (hg19) VCF-style: chr10-119302792-C-T.
Other names: c.14C>T, p.Ala5Val (NM_001165924.2); short protein forms A5V.
Identifiers: ClinVar variation 4978956 (VCV004978956.1).
Genomic context (GRCh38, chr10:117,543,281, plus strand): 5'-CGGTCGCCAGGAGCTGGGAGCCCAGGGCGCCCGCTCCTCGGCGCAGCATGTTCCAGCCGG[C>T]GCCCAAGCGCTGCTTCACCATCGAGTCGCTGGTGGCCAAGGACAGTCCCCTGCCCGCCTC-3'
Protein context (NP_004089.1, residues 1-15): MFQP[Ala5Val]PKRCFTIESL